The following is an entry in ClinVar:

ClinVar aggregate classification (germline): Uncertain significance (1 of 4 stars; one submission).

Allele frequency attached by ClinVar (database versions not stated): gnomAD exomes below 0.00001.
gnomAD v4.1: 2 of 1,610,620 alleles (0.00012%); highest among the groups gnomAD compares: Admixed American, 0.0017%; no homozygotes.

Submission:

Labcorp Genetics (formerly Invitae), Labcorp
Classification: Uncertain significance. Last evaluated: 2022-04-16. Review status: criteria provided, single submitter. Criteria: Invitae Variant Classification Sherloc (09022015). Collection method: clinical testing. Allele origin: germline.
Comment: In summary, the available evidence is currently insufficient to determine the role of this variant in disease. Therefore, it has been classified as a Variant of Uncertain Significance. Advanced modeling of protein sequence and biophysical properties (such as structural, functional, and spatial information, amino acid conservation, physicochemical variation, residue mobility, and thermodynamic stability) performed at Invitae indicates that this missense variant is not expected to disrupt SI protein function. This variant has not been reported in the literature in individuals affected with SI-related conditions. This variant is not present in population databases (gnomAD no frequency). This sequence change replaces arginine, which is basic and polar, with serine, which is neutral and polar, at codon 978 of the SI protein (p.Arg978Ser).

NM_001041.4(SI):c.2934A>T (p.Arg978Ser)

Gene: SI (sucrase-isomaltase; minus strand). Cytogenetic location: 3q26.1.
Variant type: single nucleotide variant.
Coding change: c.2934A>T on transcript NM_001041.4 (MANE Select); coding-DNA position 2934, A replaced by T.
Protein change: p.Arg978Ser; replaces arginine 978 with serine.
Molecular consequence: missense variant.
Genome position (GRCh38, 1-based): chr3:165,023,735, T>A on the plus strand (A>T on the coding strand, the complement: SI is on the minus strand). VCF-style: chr3-165023735-T-A. GRCh37 (hg19) VCF-style: chr3-164741523-T-A.
Other names: short protein forms R978S.
Identifiers: ClinVar variation 2427950 (VCV002427950.6), dbSNP rs779890126, ClinGen allele CA2690435.